The following is an entry in ClinVar:

ClinVar aggregate classification (germline): Likely pathogenic (1 of 4 stars; one submission).

Submissions (2):

GeneDx
Classification: Likely pathogenic. Last evaluated: 2017-03-28. Review status: criteria provided, single submitter. Criteria: GeneDx Variant Classification (06012015). Collection method: clinical testing. Allele origin: germline. Affected: yes.
Comment: A variant that is likely pathogenic has been identified in the SCN2A gene. The K908E variant has not been published as a pathogenic variant, nor has it been reported as a benign variant to our knowledge. The K908E variant is not observed in large population cohorts (Lek et al., 2016; 1000 Genomes Consortium et al., 2015; Exome Variant Server). The K908E variant is a non-conservative amino acid substitution, which is likely to impact secondary protein structure as these residues differ in polarity, charge, size and/or other properties. This substitution occurs at a position where amino acids with similar properties to Lysine are tolerated across species, and it is predicted to be within the pore forming loop between the S5 and S6 transmembrane segments of the second homologous domain. A missense variant in a nearby residue (K905N) has been reported in the Human Gene Mutation Database in association with an SCN2A-related disorder (Stenson et al., 2014). In silico analysis is inconsistent in its predictions as to whether or not the variant is damaging to the protein structure/function. Therefore, this variant is likely pathogenic; however, the possibility that it is benign cannot be excluded.

Channelopathy-Associated Epilepsy Research Center
No classification provided (evidence only). Condition: Complex neurodevelopmental disorder. Review status: no classification provided. Collection method: literature only. Allele origin: not applicable. Functional consequence: Normal slope of activation, Normal voltage dependence of activation, Normal slope of fast inactivation, Normal voltage dependence of fast inactivation, Normal fast inactivation, Normal persistent current, Normal rate of recovery from fast inactivation, Increase of subthreshold current, Moderate increase in peak current, Overall gain-of-function. Not counted in ClinVar's aggregate classification.
ClinVar note: "not provided" was previously submitted as the classification for the variant. However, the classification appeared to be based only on an observation of functional data so it was converted to no classification on 2025-07-30.

Literature cited by the submitters: PubMed 30144217 (cited by Channelopathy-Associated Epilepsy Research Center).

NM_001040142.2(SCN2A):c.2722A>G (p.Lys908Glu)

Gene: SCN2A (sodium voltage-gated channel alpha subunit 2; plus strand). Cytogenetic location: 2q24.3.
Variant type: single nucleotide variant.
Coding change: c.2722A>G on transcript NM_001040142.2 (MANE Select); coding-DNA position 2722, A replaced by G.
Protein change: p.Lys908Glu; replaces lysine 908 with glutamic acid.
Molecular consequence: missense variant.
Genome position (GRCh38, 1-based): chr2:165,344,714, A>G. VCF-style: chr2-165344714-A-G. GRCh37 (hg19) VCF-style: chr2-166201224-A-G.
Other names: p.K908E:AAA>GAA; c.2722A>G, p.Lys908Glu (NM_001040143.2, NM_001371246.1, NM_001371247.1 and 1 more transcripts); short protein forms K908E.
Identifiers: ClinVar variation 206976 (VCV000206976.4), dbSNP rs796053122, ClinGen allele CA317898.